The following is an entry in ClinVar:

NM_004006.3(DMD):c.372dup (p.Lys125fs)

Gene: DMD (dystrophin; minus strand). Cytogenetic location: Xp21.1.
Variant type: Duplication.
Coding change: c.372dup on transcript NM_004006.3 (MANE Select); coding-DNA position 372, one base duplicated (G; older notation c.372dupG).
Protein change: p.Lys125fs; shifts the reading frame from lysine 125.
Molecular consequence: frameshift variant. On other transcripts: initiator codon variant (1).
Genome position (GRCh38, 1-based): chrX:32,816,626, C duplicated on the plus strand (G on the coding strand, the reverse complement: DMD is on the minus strand). VCF-style (leftmost placement, unchanged base first): chrX-32816625-T-TC. GRCh37 (hg19) VCF-style: chrX-32834742-T-TC.
Other names: c.348dup, p.Lys117fs (NM_000109.4); c.360dup, p.Lys121fs (NM_004009.3); c.3dup, p.Lys2fs (NM_004010.3); short protein forms K117fs, K2fs, K121fs, K125fs.
Identifiers: ClinVar variation 2001152 (VCV002001152.5), dbSNP rs2524328004, ClinGen allele CA2580100770.

ClinVar aggregate classification (germline): Pathogenic (1 of 4 stars; one submission).

Conditions:
Duchenne muscular dystrophy (DMD). Also called: MUSCULAR DYSTROPHY, PSEUDOHYPERTROPHIC PROGRESSIVE, DUCHENNE TYPE; Duchenne Muscular Dystrophy (DMD). Identifiers: Orphanet 98896, MedGen C0013264, MONDO:0010679, OMIM 310200.

Submission:

Labcorp Genetics (formerly Invitae), Labcorp
Classification: Pathogenic for Duchenne muscular dystrophy. Last evaluated: 2022-08-22. Review status: criteria provided, single submitter. Criteria: Invitae Variant Classification Sherloc (09022015). Collection method: clinical testing. Allele origin: germline.
Comment: This sequence change creates a premature translational stop signal (p.Lys125Glufs*13) in the DMD gene. It is expected to result in an absent or disrupted protein product. Loss-of-function variants in DMD are known to be pathogenic (PMID: 16770791, 25007885). For these reasons, this variant has been classified as Pathogenic. This variant has not been reported in the literature in individuals affected with DMD-related conditions. This variant is not present in population databases (gnomAD no frequency).

Literature cited by the submitters: PubMed 16770791; PubMed 25007885.